The following is an entry in ClinVar:

ClinVar aggregate classification (germline): Likely benign (1 of 4 stars; one submission).

Conditions:
PLXNA3-related disorder. Also called: PLXNA3-related condition.

gnomAD v4.1: 104 of 1,205,745 alleles (0.0086%); highest among the groups gnomAD compares: Non-Finnish European, 0.011%; no homozygotes.

Submission:

PreventionGenetics, part of Exact Sciences
Classification: Likely benign for PLXNA3-related condition. Last evaluated: 2026-06-18. Review status: criteria provided, single submitter. Criteria: ACMG Guidelines, 2015. Collection method: clinical testing. Allele origin: germline.
Comment: This variant is classified as likely benign based on ACMG/AMP sequence variant interpretation guidelines (Richards et al. 2015 PMID: 25741868, with internal and published modifications).

NM_017514.5(PLXNA3):c.2313C>T (p.Phe771=)

Gene: PLXNA3 (plexin A3; plus strand). Cytogenetic location: Xq28.
Variant type: single nucleotide variant.
Coding change: c.2313C>T on transcript NM_017514.5 (MANE Select); coding-DNA position 2313, C replaced by T.
Protein change: p.Phe771=; no amino-acid change (phenylalanine 771 retained).
Molecular consequence: synonymous variant.
Genome position (GRCh38, 1-based): chrX:154,465,492, C>T. VCF-style: chrX-154465492-C-T. GRCh37 (hg19) VCF-style: chrX-153693835-C-T.
Identifiers: ClinVar variation 4987147 (VCV004987147.1).
Genomic context (GRCh38, chrX:154,465,492, plus strand): 5'-TGAAGGTGATGAGCATGGTGACACCGAGCTGGACTTTTCCGTGGTCTGGGATGGAGACTT[C>T]CCCATAGACAAGCCTCCCAGCTTCCGAGGTGAAGGCATGGGCCAGGGAGCTTCCCTCCTA-3'
Protein context (NP_059984.3, residues 761-781): LDFSVVWDGD[Phe771=]PIDKPPSFRA